The following is an entry in ClinVar:

NM_001673.5(ASNS):c.1534del (p.Thr512fs)

Genes: ASNS (asparagine synthetase (glutamine-hydrolyzing); minus strand), CZ1P-ASNS (CZ1P-ASNS readthrough; minus strand). Cytogenetic location: 7q21.3.
Variant type: Deletion.
Coding change: c.1534del on transcript NM_001673.5 (MANE Select); coding-DNA position 1534, one base deleted (A; older notation c.1534delA).
Protein change: p.Thr512fs; shifts the reading frame from threonine 512.
Molecular consequence: frameshift variant. On other transcripts: non-coding transcript variant (1).
Genome position (GRCh38, 1-based): chr7:97,852,411, T deleted on the plus strand (A on the coding strand, the reverse complement: ASNS is on the minus strand); the first of 4 consecutive T bases (chr7:97,852,411-97,852,414); deleting any one gives the same sequence. VCF-style (leftmost placement, unchanged base first): chr7-97852410-GT-G. GRCh37 (hg19) VCF-style: chr7-97481722-GT-G.
Other names: c.1471del, p.Thr491fs (NM_001178075.2); c.1285del, p.Thr429fs (NM_001178076.2, NM_001178077.1); c.1534del, p.Thr512fs (NM_001352496.2, NM_133436.3, NM_183356.4); short protein forms T491fs, T512fs, T429fs.
Identifiers: ClinVar variation 1416825 (VCV001416825.6), dbSNP rs2115582732, ClinGen allele CA2573142469.

ClinVar aggregate classification (germline): Pathogenic (1 of 4 stars; one submission).

Submission:

Labcorp Genetics (formerly Invitae), Labcorp
Classification: Pathogenic. Last evaluated: 2023-10-23. Review status: criteria provided, single submitter. Criteria: Invitae Variant Classification Sherloc (09022015). Collection method: clinical testing. Allele origin: germline.
Comment: This sequence change creates a premature translational stop signal (p.Thr512Profs*22) in the ASNS gene. While this is not anticipated to result in nonsense mediated decay, it is expected to disrupt the last 50 amino acid(s) of the ASNS protein. This variant is not present in population databases (gnomAD no frequency). This variant has not been reported in the literature in individuals affected with ASNS-related conditions. ClinVar contains an entry for this variant (Variation ID: 1416825). This variant disrupts a region of the ASNS protein in which other variant(s) (p.Arg550His) have been determined to be pathogenic (PMID: 29405484, 32255274; Invitae). This suggests that this is a clinically significant region of the protein, and that variants that disrupt it are likely to be disease-causing. For these reasons, this variant has been classified as Pathogenic.

Literature cited by the submitters: PubMed 29405484; PubMed 32255274.